The following is an entry in ClinVar:

ClinVar aggregate classification (germline): Uncertain significance (1 of 4 stars; one submission).

Submission:

Dasa
Classification: Uncertain significance. Last evaluated: 2025-12-23. Review status: criteria provided, single submitter. Criteria: DASA Assertion Criteria. Collection method: clinical testing. Allele origin: germline.
Comment: NM_173653.4(SLC9A9):c.580C>A (p.Leu194Met) is a missense variant that results in the substitution of leucine with methionine. This variant is rare in population databases. The currently available literature and clinical evidence are not sufficient to establish a definitive association between this variant and the reported condition. Therefore, this variant is classified as a variant of uncertain significance.

NM_173653.4(SLC9A9):c.580C>A (p.Leu194Met)

Gene: SLC9A9 (solute carrier family 9 member A9; minus strand). Cytogenetic location: 3q24.
Variant type: single nucleotide variant.
Coding change: c.580C>A on transcript NM_173653.4 (MANE Select); coding-DNA position 580, C replaced by A.
Protein change: p.Leu194Met; replaces leucine 194 with methionine.
Molecular consequence: missense variant.
Genome position (GRCh38, 1-based): chr3:143,693,261, G>T on the plus strand (C>A on the coding strand, the complement: SLC9A9 is on the minus strand). VCF-style: chr3-143693261-G-T. GRCh37 (hg19) VCF-style: chr3-143412103-G-T.
Other names: short protein forms L194M.
Identifiers: ClinVar variation 4885444 (VCV004885444.2).
Genomic context (GRCh38, chr3:143,693,261, plus strand): 5'-TAGCAGACATCAGTGAACCAAAAAATAAACAGTCAGTGAAATGAAAGTCTCCATTTTTCA[G>T]CTGGCCAGCATGTATCATAGCCTTCACAAAACCATACATAATTAACCTGTTGAAGAGAAA-3'
Protein context (NP_775924.1, residues 184-204): FVKAMIHAGQ[Leu194Met]KNGDFHFTDC